The following is an entry in ClinVar:

ClinVar aggregate classification (germline): Uncertain significance (1 of 4 stars; one submission).

Conditions:
Hereditary cancer-predisposing syndrome. Also called: Tumor predisposition; Neoplastic Syndromes, Hereditary; Hereditary neoplastic syndrome; Hereditary Cancer Syndrome. Identifiers: Orphanet 140162, MedGen C0027672, MeSH D009386, MONDO:0015356.

gnomAD v4.1: 1 of 1,598,446 alleles (0.000063%); highest among the groups gnomAD compares: Non-Finnish European, 0.000086%; no homozygotes.

Submission:

Ambry Genetics
Classification: Uncertain significance for Hereditary cancer-predisposing syndrome. Last evaluated: 2025-06-22. Review status: criteria provided, single submitter. Criteria: Ambry Variant Classification Scheme 2023. Collection method: clinical testing. Allele origin: germline.
Comment: The p.P185S variant (also known as c.553C>T), located in coding exon 6 of the MRE11A gene, results from a C to T substitution at nucleotide position 553. The proline at codon 185 is replaced by serine, an amino acid with similar properties. This amino acid position is conserved. In addition, the in silico prediction for this alteration is inconclusive. Based on the available evidence, the clinical significance of this variant remains unclear.

NM_005591.4(MRE11):c.553C>T (p.Pro185Ser)

Gene: MRE11 (MRE11 double strand break repair nuclease; minus strand). Cytogenetic location: 11q21.
Variant type: single nucleotide variant.
Coding change: c.553C>T on transcript NM_005591.4 (MANE Select); coding-DNA position 553, C replaced by T.
Protein change: p.Pro185Ser; replaces proline 185 with serine.
Molecular consequence: missense variant. On other transcripts: intron variant (3).
Genome position (GRCh38, 1-based): chr11:94,476,395, G>A on the plus strand (C>T on the coding strand, the complement: MRE11 is on the minus strand). VCF-style: chr11-94476395-G-A. GRCh37 (hg19) VCF-style: chr11-94209561-G-A.
Other names: c.553C>T, p.Pro185Ser (NM_001330347.2, NM_001440460.1, NM_001440461.1 and 18 more transcripts); c.478C>T, p.Pro160Ser (NM_001440471.1, NM_001440472.1, NM_001440479.1); c.85C>T, p.Pro29Ser (NM_001440485.1, NM_001440486.1, NM_001440487.1); c.315-4636C>T (NM_001440483.1, NM_001440484.1, NM_001440482.1); short protein forms P185S, P29S, P160S.
Identifiers: ClinVar variation 4110067 (VCV004110067.1).